The following is an entry in ClinVar:

ClinVar aggregate classification (germline): Uncertain significance (0 of 4 stars; one submission).

Conditions:
AKR1C4-related disorder. Also called: AKR1C4-related condition.

Submission:

PreventionGenetics, part of Exact Sciences
Classification: Uncertain significance for AKR1C4-related condition. Last evaluated: 2024-08-29. Review status: no assertion criteria provided. Collection method: clinical testing. Allele origin: germline.
Comment: The AKR1C4 c.281T>C variant is predicted to result in the amino acid substitution p.Met94Thr. To our knowledge, this variant has not been reported in the literature. This variant is reported in 0.058% of alleles in individuals of Latino descent in gnomAD, which may be too common to be a primary cause of disease. Although we suspect this variant may be benign, at this time, the clinical significance of this variant is uncertain due to the absence of conclusive functional and genetic evidence.

NM_001818.5(AKR1C4):c.281T>C (p.Met94Thr)

Gene: AKR1C4 (aldo-keto reductase family 1 member C4; plus strand). Cytogenetic location: 10p15.1.
Variant type: single nucleotide variant.
Coding change: c.281T>C on transcript NM_001818.5 (MANE Select); coding-DNA position 281, T replaced by C.
Protein change: p.Met94Thr; replaces methionine 94 with threonine.
Molecular consequence: missense variant.
Genome position (GRCh38, 1-based): chr10:5,204,405, T>C. VCF-style: chr10-5204405-T-C. GRCh37 (hg19) VCF-style: chr10-5246368-T-C.
Other names: short protein forms M94T.
Identifiers: ClinVar variation 3354790 (VCV003354790.1).
Genomic context (GRCh38, chr10:5,204,405, plus strand): 5'-ATTCAACATAAATCCTTTATTTTACCATGCAGCTTTGGTGCACTTTCTTTCAACCACAGA[T>C]GGTCCAACCAGCCTTGGAAAGCTCACTGAAAAAACTTCAACTGGACTATGTTGACCTCTA-3'
Protein context (NP_001809.4, residues 84-104): KLWCTFFQPQ[Met94Thr]VQPALESSLK